The following is an entry in ClinVar:

NM_006045.3(ATP9A):c.1107C>T (p.Pro369=)

Gene: ATP9A (ATPase phospholipid transporting 9A; minus strand). Cytogenetic location: 20q13.2.
Variant type: single nucleotide variant.
Coding change: c.1107C>T on transcript NM_006045.3 (MANE Select); coding-DNA position 1107, C replaced by T.
Protein change: p.Pro369=; no amino-acid change (proline 369 retained).
Molecular consequence: synonymous variant.
Genome position (GRCh38, 1-based): chr20:51,671,188, G>A on the plus strand (C>T on the coding strand, the complement: ATP9A is on the minus strand). VCF-style: chr20-51671188-G-A. GRCh37 (hg19) VCF-style: chr20-50287727-G-A.
Identifiers: ClinVar variation 4821039 (VCV004821039.4).

ClinVar aggregate classification (germline): Likely benign (1 of 4 stars; one submission).

gnomAD v4.1: 210 of 1,613,936 alleles (0.013%); highest among the groups gnomAD compares: Non-Finnish European, 0.015%; no homozygotes.

Submission:

CeGaT Center for Human Genetics Tuebingen
Classification: Likely benign. Last evaluated: 2026-05-01. Review status: criteria provided, single submitter. Criteria: CeGaT Center For Human Genetics Tuebingen Variant Classification Criteria Version 2. Collection method: clinical testing. Allele origin: germline. Affected: yes. Observed: 2 variant alleles.
Comment: ATP9A: BP4, BP7